The following is an entry in ClinVar:

NM_033109.5(PNPT1):c.1465T>C (p.Cys489Arg)

Gene: PNPT1 (polyribonucleotide nucleotidyltransferase 1; minus strand). Cytogenetic location: 2p16.1.
Variant type: single nucleotide variant.
Coding change: c.1465T>C on transcript NM_033109.5 (MANE Select); coding-DNA position 1465, T replaced by C.
Protein change: p.Cys489Arg; replaces cysteine 489 with arginine.
Molecular consequence: missense variant.
Genome position (GRCh38, 1-based): chr2:55,654,930, A>G on the plus strand (T>C on the coding strand, the complement: PNPT1 is on the minus strand). VCF-style: chr2-55654930-A-G. GRCh37 (hg19) VCF-style: chr2-55882065-A-G.
Other names: short protein forms C489R.
Identifiers: ClinVar variation 2845812 (VCV002845812.3), dbSNP rs2529518430, ClinGen allele CA346926882.

ClinVar aggregate classification (germline): Uncertain significance (1 of 4 stars; one submission).

Allele frequency attached by ClinVar (database versions not stated): gnomAD exomes below 0.00001.
gnomAD v4.1: 2 of 1,613,624 alleles (0.00012%); highest among the groups gnomAD compares: Non-Finnish European, 0.00017%; no homozygotes.

Submission:

Labcorp Genetics (formerly Invitae), Labcorp
Classification: Uncertain significance. Last evaluated: 2023-04-06. Review status: criteria provided, single submitter. Criteria: Invitae Variant Classification Sherloc (09022015). Collection method: clinical testing. Allele origin: germline.
Comment: In summary, the available evidence is currently insufficient to determine the role of this variant in disease. Therefore, it has been classified as a Variant of Uncertain Significance. Advanced modeling of protein sequence and biophysical properties (such as structural, functional, and spatial information, amino acid conservation, physicochemical variation, residue mobility, and thermodynamic stability) performed at Invitae indicates that this missense variant is expected to disrupt PNPT1 protein function. This sequence change replaces cysteine, which is neutral and slightly polar, with arginine, which is basic and polar, at codon 489 of the PNPT1 protein (p.Cys489Arg). This variant is not present in population databases (gnomAD no frequency). This variant has not been reported in the literature in individuals affected with PNPT1-related conditions.